The following is an entry in ClinVar:

ClinVar aggregate classification (germline): Pathogenic (1 of 4 stars; one submission).

Conditions:
Familial cancer of breast. Also called: BREAST CANCER, FAMILIAL; Hereditary breast cancer; hereditary breast carcinoma. Identifiers: Orphanet 227535, MedGen C0346153, MONDO:0016419, OMIM 114480. Disease mechanism: loss of function.

Submission:

Myriad Genetics, Inc.
Classification: Pathogenic for Familial cancer of breast. Last evaluated: 2024-01-09. Review status: criteria provided, single submitter. Criteria: Myriad Autosomal Dominant, Autosomal Recessive and X-Linked Classification Criteria (2023). Collection method: clinical testing. Allele origin: unknown.
Comment: This variant is considered pathogenic. This variant creates a termination codon and is predicted to result in premature protein truncation.

NM_000051.4(ATM):c.465C>A (p.Tyr155Ter)

Gene: ATM (ATM serine/threonine kinase; plus strand). Cytogenetic location: 11q22.3.
Variant type: single nucleotide variant.
Coding change: c.465C>A on transcript NM_000051.4 (MANE Select); coding-DNA position 465, C replaced by A.
Protein change: p.Tyr155Ter; replaces tyrosine 155 with a stop codon.
Molecular consequence: nonsense.
Genome position (GRCh38, 1-based): chr11:108,235,803, C>A. VCF-style: chr11-108235803-C-A. GRCh37 (hg19) VCF-style: chr11-108106530-C-A.
Other names: c.465C>A, p.Tyr155Ter (NM_001351834.2); short protein forms Y155*.
Identifiers: ClinVar variation 3148217 (VCV003148217.1), dbSNP rs2079245609, ClinGen allele CA382525472.
Genomic context (GRCh38, chr11:108,235,803, plus strand): 5'-TATTTACGGAGCTGATTGTAGCAACATACTACTCAAAGACATTCTTTCTGTGAGAAAATA[C>A]TGGTGTGAAATATCTCAGCAACAGTGGTTAGGTATGTTTTGAAGGTTGTTGTTTGTGAAT-3'